The following is an entry in ClinVar:

NM_001111.5(ADAR):c.983G>A (p.Arg328Gln)

Gene: ADAR (adenosine deaminase RNA specific; minus strand). Cytogenetic location: 1q21.3.
Variant type: single nucleotide variant.
Coding change: c.983G>A on transcript NM_001111.5 (MANE Select); coding-DNA position 983, G replaced by A.
Protein change: p.Arg328Gln; replaces arginine 328 with glutamine.
Molecular consequence: missense variant.
Genome position (GRCh38, 1-based): chr1:154,601,659, C>T on the plus strand (G>A on the coding strand, the complement: ADAR is on the minus strand). VCF-style: chr1-154601659-C-T. GRCh37 (hg19) VCF-style: chr1-154574135-C-T.
Other names: c.98G>A, p.Arg33Gln (NM_001025107.3, NM_001193495.2, NM_001365046.1 and 3 more transcripts); c.1010G>A, p.Arg337Gln (NM_001365045.1); c.983G>A, p.Arg328Gln (NM_015840.4, NM_015841.4); short protein forms R328Q, R337Q, R33Q.
Identifiers: ClinVar variation 806225 (VCV000806225.49), dbSNP rs371476324, ClinGen allele CA1131609.
Genomic context (GRCh38, chr1:154,601,659, plus strand): 5'-GTCCCTTGTCTATAGACATCCCCCTGCCTTTCCATGTCAATTAGCACAGCATTTATATCT[C>T]GGGCCTTGGTAAGGCCAATATTTTTAGCCAAATTCAGGGCAGAGGAGTCAGACACATTGA-3'
Protein context (NP_001102.3, residues 318-338): LAKNIGLTKA[Arg328Gln]DINAVLIDME

ClinVar aggregate classification (germline): Uncertain significance. Review status: criteria provided, multiple submitters, no conflicts (2 of 4 stars). 3 submissions from 3 submitters: Uncertain significance (3). Last evaluated 2025-10-05.

Conditions:
Aicardi-Goutieres syndrome 6 (AGS6). Identifiers: Orphanet 51, MedGen C3539013, MONDO:0014007, OMIM 615010.
Symmetrical dyschromatosis of extremities (DSH). Also called: DYSCHROMATOSIS SYMMETRICA HEREDITARIA 1; RETICULATE ACROPIGMENTATION OF DOHI; SYMMETRIC DYSCHROMATOSIS OF THE EXTREMITIES; Dyschromatosis symmetrica hereditaria. Identifiers: Orphanet 41, MedGen C0406775, MONDO:0007483, OMIM 127400.

Allele frequency attached by ClinVar (database versions not stated): ExAC 0.00002; gnomAD exomes 0.00002 and 0.00003; gnomAD 0.00005 and 0.00006; TOPMed 0.00005; ESP Exome Variant Server 0.00015.
gnomAD v4.1: 47 of 1,613,970 alleles (0.0029%); highest among the groups gnomAD compares: Non-Finnish European, 0.0037%; no homozygotes.

Submissions (3):

Labcorp Genetics (formerly Invitae), Labcorp
Classification: Uncertain significance for Aicardi-Goutieres syndrome 6; Symmetrical dyschromatosis of extremities. Last evaluated: 2025-10-05. Review status: criteria provided, single submitter. Criteria: Invitae Variant Classification Sherloc (09022015). Collection method: clinical testing. Allele origin: germline.
Comment: This sequence change replaces arginine, which is basic and polar, with glutamine, which is neutral and polar, at codon 328 of the ADAR protein (p.Arg328Gln). This variant is present in population databases (rs371476324, gnomAD 0.006%). This variant has not been reported in the literature in individuals affected with ADAR-related conditions. ClinVar contains an entry for this variant (Variation ID: 806225). Invitae Evidence Modeling of protein sequence and biophysical properties (such as structural, functional, and spatial information, amino acid conservation, physicochemical variation, residue mobility, and thermodynamic stability) indicates that this missense variant is not expected to disrupt ADAR protein function with a negative predictive value of 80%. In summary, the available evidence is currently insufficient to determine the role of this variant in disease. Therefore, it has been classified as a Variant of Uncertain Significance.

Genome-Nilou Lab
Classification: Uncertain significance for Aicardi-Goutieres syndrome 6. Last evaluated: 2023-04-11. Review status: criteria provided, single submitter. Criteria: ACMG Guidelines, 2015. Collection method: clinical testing. Allele origin: germline. Affected: no.

CeGaT Center for Human Genetics Tuebingen
Classification: Uncertain significance. Last evaluated: 2016-05-01. Review status: criteria provided, single submitter. Criteria: CeGaT Center For Human Genetics Tuebingen Variant Classification Criteria Version 2. Collection method: clinical testing. Allele origin: germline. Affected: yes. Observed: 1 variant allele.